The following is an entry in ClinVar:

NM_024635.4(NAA35):c.877+4A>G

Gene: NAA35 (N-alpha-acetyltransferase 35, NatC auxiliary subunit; plus strand). Cytogenetic location: 9q21.33.
Variant type: single nucleotide variant.
Coding change: c.877+4A>G on transcript NM_024635.4 (MANE Select); 4 bases into the intron after coding-DNA position 877, A replaced by G.
Molecular consequence: intron variant.
Genome position (GRCh38, 1-based): chr9:85,978,385, A>G. VCF-style: chr9-85978385-A-G. GRCh37 (hg19) VCF-style: chr9-88593300-A-G.
Other names: c.877+4A>G (NM_001321881.2, NM_001321882.2).
Identifiers: ClinVar variation 2877752 (VCV002877752.3), dbSNP rs535074389, ClinGen allele CA195491377.
Genomic context (GRCh38, chr9:85,978,385, plus strand): 5'-CCATTCATAATTCATTGCATCATGGCATCCAGGCCCAGAATGATACTACAAAAGGAGGTA[A>G]TTGTTCAATTTGCTCCTACTCTTTCTTTTCTTCGTTTCTATCCAAAATATTTAGTGCTTA-3'

ClinVar aggregate classification (germline): Uncertain significance (1 of 4 stars; one submission).

gnomAD v4.1: 4 of 1,552,926 alleles (0.00026%); highest among the groups gnomAD compares: Admixed American, 0.0017%; no homozygotes.

Submission:

Labcorp Genetics (formerly Invitae), Labcorp
Classification: Uncertain significance. Last evaluated: 2023-08-17. Review status: criteria provided, single submitter. Criteria: Invitae Variant Classification Sherloc (09022015). Collection method: clinical testing. Allele origin: germline.
Comment: In summary, the available evidence is currently insufficient to determine the role of this variant in disease. Therefore, it has been classified as a Variant of Uncertain Significance. Variants that disrupt the consensus splice site are a relatively common cause of aberrant splicing (PMID: 17576681, 9536098). Algorithms developed to predict the effect of sequence changes on RNA splicing suggest that this variant may disrupt the consensus splice site. This variant has not been reported in the literature in individuals affected with NAA35-related conditions. This variant is present in population databases (no rsID available, gnomAD 0.003%). This sequence change falls in intron 11 of the NAA35 gene. It does not directly change the encoded amino acid sequence of the NAA35 protein. It affects a nucleotide within the consensus splice site.

Literature cited by the submitters: PubMed 17576681; PubMed 9536098.